The following is an entry in ClinVar:

ClinVar aggregate classification (germline): Benign/Likely benign. Review status: criteria provided, multiple submitters, no conflicts (2 of 4 stars). 3 submissions from 3 submitters: Benign (1); Likely benign (2). Last evaluated 2026-01-10.

Conditions:
Catecholaminergic polymorphic ventricular tachycardia 1. Also called: RYR2-Related Catecholaminergic Polymorphic Ventricular Tachycardia; VENTRICULAR TACHYCARDIA, STRESS-INDUCED POLYMORPHIC 1; VENTRICULAR TACHYCARDIA, CATECHOLAMINERGIC POLYMORPHIC, 1, WITH OR WITHOUT ATRIAL DYSFUNCTION AND/OR DILATED CARDIOMYOPATHY. Identifiers: Orphanet 3286, MedGen C1631597, MONDO:0011484, OMIM 604772.

Allele frequency attached by ClinVar (database versions not stated): TOPMed 0.00003; gnomAD exomes 0.00008 and 0.00010; ExAC 0.00009; gnomAD 0.00011; 1000 Genomes Project 30x 0.00016; 1000 Genomes Project 0.00020.
gnomAD v4.1: 142 of 1,403,228 alleles (0.01%); highest among the groups gnomAD compares: Non-Finnish European, 0.0071%; 1 homozygote.

Submissions (3):

Labcorp Genetics (formerly Invitae), Labcorp
Classification: Likely benign for Catecholaminergic polymorphic ventricular tachycardia 1. Last evaluated: 2026-01-10. Review status: criteria provided, single submitter. Criteria: Invitae Variant Classification Sherloc (09022015). Collection method: clinical testing. Allele origin: germline.

Blueprint Genetics
Classification: Likely benign. Last evaluated: 2024-09-11. Review status: criteria provided, single submitter. Criteria: ACMG Guidelines, 2015. Collection method: clinical testing. Allele origin: germline.

Women's Health and Genetics/Laboratory Corporation of America, LabCorp
Classification: Benign. Last evaluated: 2023-12-11. Review status: criteria provided, single submitter. Criteria: LabCorp Variant Classification Summary - May 2015. Collection method: clinical testing. Allele origin: germline.
Comment: Variant summary: RYR2 c.8208+15A>G alters a non-conserved nucleotide located at a position not widely known to affect splicing. Consensus agreement among computation tools predict no significant impact on normal splicing. However, these predictions have yet to be confirmed by functional studies. The variant allele was found at a frequency of 0.0001 in 1403228 control chromosomes in the gnomAD database, including 1 homozygotes. The observed variant frequency is approximately 2 fold of the estimated maximal expected allele frequency for a pathogenic variant in RYR2 causing Arrhythmia phenotype (6e-05), strongly suggesting that the variant is benign. To our knowledge, no occurrence of c.8208+15A>G in individuals affected with Arrhythmia and no experimental evidence demonstrating its impact on protein function have been reported. One submitter has cited clinical-significance assessments for this variant to ClinVar after 2014 and has classified the variant as likely benign. Based on the evidence outlined above, the variant was classified as benign.

NM_001035.3(RYR2):c.8208+15A>G

Gene: RYR2 (ryanodine receptor 2; plus strand). Cytogenetic location: 1q43.
Variant type: single nucleotide variant.
Coding change: c.8208+15A>G on transcript NM_001035.3 (MANE Select); 15 bases into the intron after coding-DNA position 8208, A replaced by G.
Molecular consequence: intron variant.
Genome position (GRCh38, 1-based): chr1:237,658,037, A>G. VCF-style: chr1-237658037-A-G. GRCh37 (hg19) VCF-style: chr1-237821337-A-G.
Identifiers: ClinVar variation 928596 (VCV000928596.12), dbSNP rs142975943, ClinGen allele CA087578.